The following is an entry in ClinVar:

NM_007294.4(BRCA1):c.115T>A (p.Cys39Ser)

Gene: BRCA1 (BRCA1 DNA repair associated; minus strand). Cytogenetic location: 17q21.31.
Variant type: single nucleotide variant.
Coding change: c.115T>A on transcript NM_007294.4 (MANE Select); coding-DNA position 115, T replaced by A.
Protein change: p.Cys39Ser; replaces cysteine 39 with serine.
Molecular consequence: missense variant. On other transcripts: non-coding transcript variant (1), intron variant (1).
Genome position (GRCh38, 1-based): chr17:43,115,745, A>T on the plus strand (T>A on the coding strand, the complement: BRCA1 is on the minus strand). VCF-style: chr17-43115745-A-T. GRCh37 (hg19) VCF-style: chr17-41267762-A-T.
Other names: c.115T>A, p.Cys39Ser (NM_001407644.1, NM_001407645.1, NM_001407646.1 and 192 more transcripts); c.-143T>A (NM_001407694.1, NM_001407696.1, NM_001407724.1 and 13 more transcripts); c.-147T>A (NM_001407695.1, NM_001408465.1); c.-27T>A (NM_001407697.1, NM_001407725.1, NM_001407728.1 and 47 more transcripts); c.-23T>A (NM_001407841.1); c.-74T>A (NM_001407853.1, NM_001407879.1, NM_001407882.1 and 52 more transcripts); c.-190T>A (NM_001407889.1, NM_001407900.1, NM_001408492.1); c.-189T>A (NM_001407960.1, NM_001407962.1, NM_001408510.1 and 1 more transcripts); and 2 more; short protein forms C39S.
Identifiers: ClinVar variation 54151 (VCV000054151.27), dbSNP rs80357164, ClinGen allele CA000765.

ClinVar aggregate classification (germline): Pathogenic/Likely pathogenic. Review status: criteria provided, multiple submitters, no conflicts (2 of 4 stars). 9 submissions from 9 submitters: Pathogenic (6); Likely pathogenic (1). 2 of the submissions do not count toward it. Last evaluated 2025-12-13.

Conditions:
Inherited breast cancer and ovarian cancer.
Hereditary cancer-predisposing syndrome. Also called: Tumor predisposition; Neoplastic Syndromes, Hereditary; Hereditary Cancer Syndrome; Hereditary neoplastic syndrome. Identifiers: Orphanet 140162, MedGen C0027672, MeSH D009386, MONDO:0015356.
Hereditary breast ovarian cancer syndrome. Also called: Hereditary breast and ovarian cancer syndrome (HBOC); Hereditary breast and ovarian cancer syndrome; Hereditary breast and ovarian cancer; Hereditary breast and/or ovarian cancer syndrome; Breast and ovarian cancer; BRCA1- and BRCA2-Associated Hereditary Breast and Ovarian Cancer. Identifiers: Orphanet 145, MedGen C0677776, MeSH D061325, MONDO:0003582. Disease mechanism: loss of function.
Breast-ovarian cancer, familial, susceptibility to, 1 (BROVCA1). Also called: OVARIAN CANCER, SUSCEPTIBILITY TO; BRCA1 Hereditary Breast and Ovarian Cancer. Identifiers: Orphanet 145, MedGen C2676676, MONDO:0011450, OMIM 604370. Disease mechanism: loss of function.

Allele frequency attached by ClinVar (database versions not stated): TOPMed below 0.00001.

Submissions (10):

Labcorp Genetics (formerly Invitae), Labcorp
Classification: Pathogenic for Hereditary breast ovarian cancer syndrome. Last evaluated: 2025-12-13. Review status: criteria provided, single submitter. Criteria: Invitae Variant Classification Sherloc (09022015). Collection method: clinical testing. Allele origin: germline.
Comment: This sequence change replaces cysteine, which is neutral and slightly polar, with serine, which is neutral and polar, at codon 39 of the BRCA1 protein (p.Cys39Ser). This variant is not present in population databases (gnomAD no frequency). This missense change has been observed in individual(s) with breast and ovarian cancer (PMID: 17262179, 23683081). This variant is also known as 234T>A. ClinVar contains an entry for this variant (Variation ID: 54151). Invitae Evidence Modeling incorporating data from in vitro experimental studies (PMID: 30209399) indicates that this missense variant is expected to disrupt BRCA1 function with a positive predictive value of 95%. Experimental studies have shown that this missense change affects BRCA1 function (PMID: 12732733, 16403807, 22843421, 25823446). This variant disrupts the p.Cys39 amino acid residue in BRCA1. Other variant(s) that disrupt this residue have been determined to be pathogenic (PMID: 9808526, 11320250, 12827452, 17319787, 18500671, 19543972, 21725363, 21922593, 21990134). This suggests that this residue is clinically significant, and that variants that disrupt this residue are likely to be disease-causing. For these reasons, this variant has been classified as Pathogenic.

Genetics Laboratory, Great Ormond Street Hospital NHS Foundation Trust, North Thames Genomic Laboratory Hub
Classification: Pathogenic for Inherited breast cancer and ovarian cancer. Last evaluated: 2025-07-21. Review status: criteria provided, single submitter. Criteria: CanVIG BRCA Gene Specific V1.22. Collection method: clinical testing. Allele origin: germline. Affected: yes.
Comment: PM2_moderate, PP3_supporting, PM5_moderate, PS3_strong, PP4_supporting

Ambry Genetics
Classification: Pathogenic for Hereditary cancer-predisposing syndrome. Last evaluated: 2025-04-04. Review status: criteria provided, single submitter. Criteria: Ambry Variant Classification Scheme 2023. Collection method: clinical testing. Allele origin: germline.
Comment: The p.C39S pathogenic mutation (also known as c.115T>A), located in coding exon 2 of the BRCA1 gene, results from a T to A substitution at nucleotide position 115. The cysteine at codon 39 is replaced by serine, an amino acid with dissimilar properties. The p.C39S alteration is located in a critical region of the BRCA1 protein RING domain. A functional study has shown that changes at this residue alter the structure of the RING domain and negatively impact ubiquitin-ligase activity and BARD1 binding activity (Starita LM et al. Genetics. 2015 Jun;200(2):413-22). This alteration was also shown to be non-functional in a high throughput genome editing haploid cell survival assay (Findlay G et al. Nature 2018 10;562(7726):217-222). The p.C39S variant has been reported in breast and/or ovarian cancer families from Spain. (Blay P et al. BMC Cancer 2013;13:243; Rebbeck T et al. Hum. Mutat. 2018 05;39(5):593-620). Based on internal structural analysis, this variant is anticipated to result in a significant decrease in structural stability (Ambry internal data, Brzovic PS et al. Proc. Natl. Acad. Sci. U.S.A. 2003 May;100(10):5646-51). This amino acid position is highly conserved in available vertebrate species. In addition, this alteration is predicted to be deleterious by in silico analysis. Based on the supporting evidence, this alteration is interpreted as a disease-causing mutation.

Color Diagnostics, LLC DBA Color Health
Classification: Likely pathogenic for Hereditary cancer-predisposing syndrome. Last evaluated: 2024-04-09. Review status: criteria provided, single submitter. Criteria: ACMG Guidelines, 2015. Collection method: clinical testing. Allele origin: germline.
Comment: This missense variant replaces cysteine with serine at codon 39 of the BRCA1 protein. Computational prediction suggests that this variant may have deleterious impact on protein structure and function. Functional studies have reported that this variant impacts BRCA1 function in a haploid cell proliferation, an ubiquitin-ligase activity and a mammalian two-hybrid BARD1 binding assays (PMID: 25823446, 30209399, 35659930). This variant has been reported in at least two individuals affected with ovarian or peritoneal and breast cancer (PMID: 28122244, 36579549) and at least five individuals affected with breast cancer (PMID: 17262179, 20054658, 36833268, 37719058). This variant has not been identified in the general population by the Genome Aggregation Database (gnomAD). Based on the available evidence, this variant is classified as Likely Pathogenic.

Baylor Genetics
Classification: Pathogenic for Breast-ovarian cancer, familial, susceptibility to, 1. Last evaluated: 2023-05-28. Review status: criteria provided, single submitter. Criteria: ACMG Guidelines, 2015. Collection method: clinical testing. Allele origin: unknown.

Quest Diagnostics Nichols Institute San Juan Capistrano
Classification: Pathogenic. Last evaluated: 2019-12-12. Review status: criteria provided, single submitter. Criteria: Quest Diagnostics criteria. Collection method: clinical testing. Allele origin: unknown.
Comment: In the published literature, the variant has been reported in families with hereditary breast and ovarian cancer, and it is situated within an important functional domain at an amino acid residue with at least two other reported pathogenic variations (PMIDs: 15235020 (2004), 17262179 (2007) and 25823446 (2015)). Assessment of experimental evidence regarding the effect of this variant suggests it is detrimental to normal function (PMIDs: 25823446 (2015) and 16403807 (2006)). Based on the available information, this variant is classified as pathogenic.

Women's Health and Genetics/Laboratory Corporation of America, LabCorp
Classification: Pathogenic for Hereditary breast and ovarian cancer syndrome. Last evaluated: 2019-09-13. Review status: criteria provided, single submitter. Criteria: LabCorp Variant Classification Summary - May 2015. Collection method: clinical testing. Allele origin: germline.
Comment: Variant summary: BRCA1 c.115T>A (p.Cys39Ser) results in a non-conservative amino acid change located in the Zinc finger, C3HC4 RING-type domain (IPR018957) of the encoded protein sequence. Five of five in-silico tools predict a damaging effect of the variant on protein function. The variant was absent in 251086 control chromosomes (gnomAD). c.115T>A has been reported in the literature in multiple individuals affected with Hereditary Breast and Ovarian Cancer (Judkins_2005, Beristain_2007, Sweet_2010, Blay_2013, Mgbemena_2017, Rebbeck_2018). These data indicate that the variant is likely to be associated with disease. At least one publication reports experimental evidence evaluating an impact on protein function. The most pronounced variant effect results in 10%-<30% of normal activity (Starita_2015). Two ClinVar submissions (evaluation after 2014) cite the variant as likely pathogenic. Based on the evidence outlined above, the variant was classified as pathogenic.

Molecular Oncology, Hospital Universitario Central de Asturias (HUCA)
Classification: Pathogenic for Breast-ovarian cancer, familial, susceptibility to, 1. Last evaluated: 2021-05-24. Review status: no assertion criteria provided. Collection method: case-control. Allele origin: germline. Affected: yes. Not counted in ClinVar's aggregate classification.

Breast Cancer Information Core (BIC) (BRCA1)
Classification: Uncertain significance for Breast-ovarian cancer, familial 1. Last evaluated: 1998-03-04. Review status: no assertion criteria provided. Collection method: clinical testing. Allele origin: germline. Affected: yes. Observed: 1 variant allele. Not counted in ClinVar's aggregate classification.

Brotman Baty Institute, University of Washington
No classification provided (evidence only). Condition: Breast-ovarian cancer, familial 1. Review status: no classification provided. Collection method: in vitro. Allele origin: not applicable. Functional consequence: functionally_abnormal. Not counted in ClinVar's aggregate classification.
ClinVar note: "not provided" was previously submitted as the classification for the variant. However, the classification appeared to be based only on an observation of functional data so it was converted to no classification on 2025-07-30.

Literature cited by the submitters: PubMed 17262179 (cited by 3 submitters); PubMed 23683081 (cited by 3 submitters); PubMed 30209399 (cited by Labcorp Genetics (formerly Invitae), Labcorp and Color Diagnostics, LLC DBA Color Health); PubMed 12732733 (cited by 3 submitters); PubMed 16403807 (cited by Labcorp Genetics (formerly Invitae), Labcorp and Quest Diagnostics Nichols Institute San Juan Capistrano); PubMed 22843421 (cited by Labcorp Genetics (formerly Invitae), Labcorp); PubMed 25823446 (cited by 5 submitters); PubMed 9808526 (cited by Labcorp Genetics (formerly Invitae), Labcorp); PubMed 11320250 (cited by Labcorp Genetics (formerly Invitae), Labcorp); PubMed 12827452 (cited by Labcorp Genetics (formerly Invitae), Labcorp); PubMed 17319787 (cited by Labcorp Genetics (formerly Invitae), Labcorp); PubMed 18500671 (cited by Labcorp Genetics (formerly Invitae), Labcorp); PubMed 19543972 (cited by 4 submitters); PubMed 21725363 (cited by Labcorp Genetics (formerly Invitae), Labcorp); PubMed 21922593 (cited by Labcorp Genetics (formerly Invitae), Labcorp); PubMed 21990134 (cited by Labcorp Genetics (formerly Invitae), Labcorp); PubMed 11573085 (cited by Ambry Genetics and Quest Diagnostics Nichols Institute San Juan Capistrano); PubMed 15235020 (cited by 3 submitters); PubMed 29446198 (cited by 3 submitters); PubMed 20054658 (cited by Color Diagnostics, LLC DBA Color Health and Women's Health and Genetics/Laboratory Corporation of America, LabCorp); PubMed 28122244 (cited by 3 submitters); PubMed 35659930 (cited by Color Diagnostics, LLC DBA Color Health); PubMed 36579549 (cited by Color Diagnostics, LLC DBA Color Health); PubMed 36833268 (cited by Color Diagnostics, LLC DBA Color Health); PubMed 37719058 (cited by Color Diagnostics, LLC DBA Color Health); PubMed 16267036 (cited by Quest Diagnostics Nichols Institute San Juan Capistrano and Women's Health and Genetics/Laboratory Corporation of America, LabCorp); PubMed 38922859 (cited by Molecular Oncology, Hospital Universitario Central de Asturias (HUCA)).